The following is an entry in ClinVar:

NM_001378454.1(ALMS1):c.67_68insCGG (p.Glu22_Glu23insAla)

Gene: ALMS1 (ALMS1 centrosome and basal body associated protein; plus strand). Cytogenetic location: 2p13.1.
Variant type: Insertion.
Coding change: c.67_68insCGG on transcript NM_001378454.1 (MANE Select); coding-DNA positions 67 to 68, CGG inserted.
Protein change: p.Glu22_Glu23insAla.
Molecular consequence: inframe insertion.
Genome position: GRCh38 VCF-style: chr2-73385933-A-AGGC. GRCh37 (hg19) VCF-style: chr2-73613061-A-AGGC.
Other names: c.70_71insCGG, p.Glu23_Glu24insAla (NM_015120.4).
Identifiers: ClinVar variation 3353015 (VCV003353015.1).

ClinVar aggregate classification (germline): Likely benign (0 of 4 stars; one submission).

Conditions:
ALMS1-related disorder. Also called: ALMS1-related condition.

Submission:

PreventionGenetics, part of Exact Sciences
Classification: Likely benign for ALMS1-related condition. Last evaluated: 2024-09-19. Review status: no assertion criteria provided. Collection method: clinical testing. Allele origin: germline.
Comment: This variant is classified as likely benign based on ACMG/AMP sequence variant interpretation guidelines (Richards et al. 2015 PMID: 25741868, with internal and published modifications).